The following is an entry in ClinVar:

ClinVar aggregate classification (germline): Pathogenic (1 of 4 stars; one submission).

gnomAD v4.1: 25 of 1,614,094 alleles (0.0015%); highest among the groups gnomAD compares: African/African-American, 0.0027%; no homozygotes.

Submission:

Labcorp Genetics (formerly Invitae), Labcorp
Classification: Pathogenic. Last evaluated: 2026-01-02. Review status: criteria provided, single submitter. Criteria: Invitae Variant Classification Sherloc (09022015). Collection method: clinical testing. Allele origin: germline.
Comment: This sequence change replaces proline, which is neutral and non-polar, with arginine, which is basic and polar, at codon 200 of the ITGB4 protein (p.Pro200Arg). This variant is present in population databases (no rsID available, gnomAD 0.003%). This missense change has been observed in individual(s) with epidermolysis bullosa (PMID: 34046686, 34462954, 36287101, 40025372). In at least one individual the data is consistent with being in trans (on the opposite chromosome) from a pathogenic variant. Invitae Evidence Modeling of protein sequence and biophysical properties (such as structural, functional, and spatial information, amino acid conservation, physicochemical variation, residue mobility, and thermodynamic stability) indicates that this missense variant is not expected to disrupt ITGB4 protein function with a negative predictive value of 80%. For these reasons, this variant has been classified as Pathogenic.

Literature cited by the submitters: PubMed 34046686; PubMed 34462954; PubMed 36287101; PubMed 40025372.

NM_000213.5(ITGB4):c.599C>G (p.Pro200Arg)

Gene: ITGB4 (integrin subunit beta 4; plus strand). Cytogenetic location: 17q25.1.
Variant type: single nucleotide variant.
Coding change: c.599C>G on transcript NM_000213.5 (MANE Select); coding-DNA position 599, C replaced by G.
Protein change: p.Pro200Arg; replaces proline 200 with arginine.
Molecular consequence: missense variant.
Genome position (GRCh38, 1-based): chr17:75,729,297, C>G. VCF-style: chr17-75729297-C-G. GRCh37 (hg19) VCF-style: chr17-73725378-C-G.
Other names: c.599C>G, p.Pro200Arg (NM_001005619.2, NM_001005731.3, NM_001321123.2 and 1 more transcripts); short protein forms P200R.
Identifiers: ClinVar variation 4701072 (VCV004701072.1).